The following is an entry in ClinVar:

NM_000199.5(SGSH):c.223G>T (p.Ala75Ser)

Gene: SGSH (N-sulfoglucosamine sulfohydrolase; minus strand). Cytogenetic location: 17q25.3.
Variant type: single nucleotide variant.
Coding change: c.223G>T on transcript NM_000199.5 (MANE Select); coding-DNA position 223, G replaced by T.
Protein change: p.Ala75Ser; replaces alanine 75 with serine.
Molecular consequence: missense variant. On other transcripts: non-coding transcript variant (1).
Genome position (GRCh38, 1-based): chr17:80,217,058, C>A on the plus strand (G>T on the coding strand, the complement: SGSH is on the minus strand). VCF-style: chr17-80217058-C-A. GRCh37 (hg19) VCF-style: chr17-78190857-C-A.
Other names: c.223G>T, p.Ala75Ser (NM_001352921.3, NM_001352922.2); short protein forms A75S.
Identifiers: ClinVar variation 2119330 (VCV002119330.1), dbSNP rs137953179, ClinGen allele CA401364144.
Genomic context (GRCh38, chr17:80,217,058, plus strand): 5'-TGCCCACCCCCTCCTCCCGCCCCTTGCACCTCACCTGGGGCAGGCCAGTGAGGAGGCTGG[C>A]GCGGCTGGGAGAGCAGCTGCTGACCGAGGTGAAGGCATTGCGAAAGAGGAGGCTGCGGCG-3'
Protein context (NP_000190.1, residues 65-85): TSVSSCSPSR[Ala75Ser]SLLTGLPQHQ

ClinVar aggregate classification (germline): Uncertain significance (1 of 4 stars; one submission).

Conditions:
Mucopolysaccharidosis, MPS-III-A (MPS3A). Also called: HEPARAN SULFATE SULFATASE DEFICIENCY; SANFILIPPO SYNDROME A; SULFAMIDASE DEFICIENCY; MPS III A; Mucopolysaccharidosis, type IIIA; MUCOPOLYSACCHARIDOSIS, TYPE IIIA, ATTENUATED. Identifiers: Orphanet 581, Orphanet 79269, MedGen C0086647, MONDO:0009655, OMIM 252900.

gnomAD v4.1: 2 of 1,588,564 alleles (0.00013%); highest among the groups gnomAD compares: African/African-American, 0.0013%; no homozygotes.

Submission:

Labcorp Genetics (formerly Invitae), Labcorp
Classification: Uncertain significance for Mucopolysaccharidosis, MPS-III-A. Last evaluated: 2022-10-25. Review status: criteria provided, single submitter. Criteria: Invitae Variant Classification Sherloc (09022015). Collection method: clinical testing. Allele origin: germline.
Comment: This sequence change replaces alanine, which is neutral and non-polar, with serine, which is neutral and polar, at codon 75 of the SGSH protein (p.Ala75Ser). This variant is not present in population databases (gnomAD no frequency). This variant has not been reported in the literature in individuals affected with SGSH-related conditions. Algorithms developed to predict the effect of missense changes on protein structure and function (SIFT, PolyPhen-2, Align-GVGD) all suggest that this variant is likely to be tolerated. In summary, the available evidence is currently insufficient to determine the role of this variant in disease. Therefore, it has been classified as a Variant of Uncertain Significance.